The following is an entry in ClinVar:

NM_000334.4(SCN4A):c.2990-8C>T

Genes: GH-LCR (growth hormone locus control region; plus strand), SCN4A (sodium voltage-gated channel alpha subunit 4; minus strand). Cytogenetic location: 17q23.3.
Variant type: single nucleotide variant.
Coding change: c.2990-8C>T on transcript NM_000334.4 (MANE Select); 8 bases into the intron before coding-DNA position 2990, C replaced by T.
Molecular consequence: intron variant.
Genome position (GRCh38, 1-based): chr17:63,948,773, G>A on the plus strand (C>T on the coding strand, the complement: SCN4A is on the minus strand). VCF-style: chr17-63948773-G-A. GRCh37 (hg19) VCF-style: chr17-62026133-G-A.
Identifiers: ClinVar variation 1126847 (VCV001126847.12), dbSNP rs369430465, ClinGen allele CA8709425.

ClinVar aggregate classification (germline): Likely benign. Review status: criteria provided, multiple submitters, no conflicts (2 of 4 stars). 3 submissions from 3 submitters: Likely benign (2). 1 of the submissions does not count toward it. Last evaluated 2025-10-21.

Conditions:
SCN4A-related disorder. Also called: SCN4A-related disorders.
Hyperkalemic periodic paralysis. Also called: Gamstorp disease; Familial hyperkalemic periodic paralysis. Identifiers: Orphanet 682, MedGen C0238357, MONDO:0008224, OMIM 170500, HP:0007215.

Allele frequency attached by ClinVar (database versions not stated): ExAC 0.00001; gnomAD exomes 0.00002; ESP Exome Variant Server 0.00008.
gnomAD v4.1: 38 of 1,593,644 alleles (0.0024%); highest among the groups gnomAD compares: Non-Finnish European, 0.0033%; no homozygotes.

Submissions (3):

Labcorp Genetics (formerly Invitae), Labcorp
Classification: Likely benign for Hyperkalemic periodic paralysis. Last evaluated: 2025-10-21. Review status: criteria provided, single submitter. Criteria: Invitae Variant Classification Sherloc (09022015). Collection method: clinical testing. Allele origin: germline.

Laboratory of Genetics, Children's Clinical University Hospital Latvia
Classification: Likely benign. Last evaluated: 2025-02-16. Review status: criteria provided, single submitter. Criteria: ACMG Guidelines, 2015. Collection method: clinical testing. Allele origin: germline. Affected: yes.

PreventionGenetics, part of Exact Sciences
Classification: Likely benign for SCN4A-related condition. Last evaluated: 2019-07-19. Review status: no assertion criteria provided. Collection method: clinical testing. Allele origin: germline. Not counted in ClinVar's aggregate classification.
Comment: This variant is classified as likely benign based on ACMG/AMP sequence variant interpretation guidelines (Richards et al. 2015 PMID: 25741868, with internal and published modifications).